The following is an entry in ClinVar:

NC_000007.13:g.(?_16415697)_(16460947_?)dup

Gene: CRPPA (CDP-L-ribitol pyrophosphorylase A; minus strand). Cytogenetic location: 7p21.2.
Variant type: Duplication.
Identifiers: ClinVar variation 1680629 (VCV001680629.5).

ClinVar aggregate classification (germline): Uncertain significance (1 of 4 stars; one submission).

Conditions:
Muscular dystrophy-dystroglycanopathy (congenital with brain and eye anomalies), type A, 7. Also called: WALKER-WARBURG SYNDROME OR MUSCLE-EYE-BRAIN DISEASE, ISPD-RELATED; Congenital muscular dystrophy-dystroglycanopathy with brain and eye anomalies, type A7. Identifiers: Orphanet 899, MedGen C3553330, MONDO:0013835, OMIM 614643.
Autosomal recessive limb-girdle muscular dystrophy type 2U. Also called: Muscular dystrophy-dystroglycanopathy (limb-girdle), type c, 7; MUSCULAR DYSTROPHY, LIMB-GIRDLE, TYPE 2U. Identifiers: Orphanet 352479, MedGen C5190987, MONDO:0014474, OMIM 616052.

Submission:

Labcorp Genetics (formerly Invitae), Labcorp
Classification: Uncertain significance for Muscular dystrophy-dystroglycanopathy (congenital with brain and eye anomalies), type A, 7; Autosomal recessive limb-girdle muscular dystrophy type 2U. Last evaluated: 2021-03-17. Review status: criteria provided, single submitter. Criteria: Invitae Variant Classification Sherloc (09022015). Collection method: clinical testing. Allele origin: germline.
Comment: In summary, the available evidence is currently insufficient to determine the role of this variant in disease. Therefore, it has been classified as a Variant of Uncertain Significance. Experimental studies are not available for this variant, and the functional significance of a copy number gain of these exons is currently unknown. This variant has not been reported in the literature in individuals with ISPD-related disease. This variant results in a copy number gain of the genomic region encompassing exons 1-3 of the ISPD gene. The 5' end of this event is unknown as it extends beyond the assayed region for this gene and therefore may encompass additional genes. The 3' boundary is likely confined to intron 3 of the ISPD gene. As the precise location of this event is unknown, it may be in tandem or it may be located elsewhere in the genome.